The following is an entry in ClinVar:

ClinVar aggregate classification (germline): Uncertain significance (1 of 4 stars; one submission).

gnomAD v4.1: 13 of 1,608,886 alleles (0.00081%); highest among the groups gnomAD compares: Admixed American, 0.012%; 1 homozygote.

Submission:

Labcorp Genetics (formerly Invitae), Labcorp
Classification: Uncertain significance. Last evaluated: 2024-08-09. Review status: criteria provided, single submitter. Criteria: Invitae Variant Classification Sherloc (09022015). Collection method: clinical testing. Allele origin: germline.
Comment: This sequence change replaces valine, which is neutral and non-polar, with leucine, which is neutral and non-polar, at codon 468 of the BRD4 protein (p.Val468Leu). This variant is present in population databases (rs201081104, gnomAD 0.01%). This variant has not been reported in the literature in individuals affected with BRD4-related conditions. Advanced modeling of protein sequence and biophysical properties (such as structural, functional, and spatial information, amino acid conservation, physicochemical variation, residue mobility, and thermodynamic stability) performed at Invitae indicates that this missense variant is not expected to disrupt BRD4 protein function with a negative predictive value of 80%. In summary, the available evidence is currently insufficient to determine the role of this variant in disease. Therefore, it has been classified as a Variant of Uncertain Significance.

NM_001379291.1(BRD4):c.1402G>C (p.Val468Leu)

Gene: BRD4 (bromodomain containing 4; minus strand). Cytogenetic location: 19p13.12.
Variant type: single nucleotide variant.
Coding change: c.1402G>C on transcript NM_001379291.1 (MANE Select); coding-DNA position 1402, G replaced by C.
Protein change: p.Val468Leu; replaces valine 468 with leucine.
Molecular consequence: missense variant.
Genome position (GRCh38, 1-based): chr19:15,257,113, C>G on the plus strand (G>C on the coding strand, the complement: BRD4 is on the minus strand). VCF-style: chr19-15257113-C-G. GRCh37 (hg19) VCF-style: chr19-15367924-C-G.
Other names: c.1402G>C, p.Val468Leu (NM_001330384.2, NM_001379292.1, NM_014299.3 and 1 more transcripts); short protein forms V468L.
Identifiers: ClinVar variation 3674881 (VCV003674881.2).